The following is an entry in ClinVar:

NM_001723.7(DST):c.23A>G (p.Tyr8Cys)

Gene: DST (dystonin; minus strand). Cytogenetic location: 6p12.1.
Variant type: single nucleotide variant.
Coding change: c.23A>G on transcript NM_001723.7 (MANE Plus Clinical); coding-DNA position 23, A replaced by G.
Protein change: p.Tyr8Cys; replaces tyrosine 8 with cysteine.
Molecular consequence: missense variant. On other transcripts: intron variant (9).
Genome position (GRCh38, 1-based): chr6:56,642,766, T>C on the plus strand (A>G on the coding strand, the complement: DST is on the minus strand). VCF-style: chr6-56642766-T-C. GRCh37 (hg19) VCF-style: chr6-56507564-T-C.
Other names: c.23A>G, p.Tyr8Cys (NM_015548.5); c.1680-263A>G (NM_001144769.5); c.1779-263A>G (NM_001374722.1, NM_001374736.1); c.1806-263A>G (NM_001374734.1); c.1266-263A>G (NM_001144770.2); c.1146-263A>G (NM_001374730.1, NM_001386100.1, NM_183380.4 and 1 more transcripts); short protein forms Y8C.
Identifiers: ClinVar variation 641885 (VCV000641885.7), dbSNP rs759842660, ClinGen allele CA3871611.

ClinVar aggregate classification (germline): Uncertain significance. Review status: criteria provided, multiple submitters, no conflicts (2 of 4 stars). 2 submissions from 2 submitters: Uncertain significance (2). Last evaluated 2024-10-03.

Conditions:
Epidermolysis bullosa simplex 3, localized or generalized intermediate, with BP230 deficiency (EBS3). Also called: Epidermolysis bullosa simplex, autosomal recessive 2; Epidermolysis bullosa simplex due to BP230 deficiency. Identifiers: Orphanet 412181, MedGen C3809470, MONDO:0014180, OMIM 615425.
Hereditary sensory and autonomic neuropathy type 6. Also called: Neuropathy, hereditary sensory and autonomic, type VI; HSAN VI. Identifiers: Orphanet 314381, MedGen C3539003, MONDO:0013839, OMIM 614653.

Allele frequency attached by ClinVar (database versions not stated): gnomAD 0.00002; gnomAD exomes 0.00002 and 0.00003; TOPMed 0.00002; ExAC 0.00006.
gnomAD v4.1: 36 of 1,613,954 alleles (0.0022%); highest among the groups gnomAD compares: Non-Finnish European, 0.0021%; no homozygotes.

Submissions (2):

Blueprint Genetics
Classification: Uncertain significance. Last evaluated: 2024-10-03. Review status: criteria provided, single submitter. Criteria: ACMG Guidelines, 2015. Collection method: clinical testing. Allele origin: germline.

Labcorp Genetics (formerly Invitae), Labcorp
Classification: Uncertain significance for Epidermolysis bullosa simplex 3, localized or generalized intermediate, with BP230 deficiency; Hereditary sensory and autonomic neuropathy type 6. Last evaluated: 2021-09-01. Review status: criteria provided, single submitter. Criteria: Invitae Variant Classification Sherloc (09022015). Collection method: clinical testing. Allele origin: germline.
Comment: This sequence change replaces tyrosine with cysteine at codon 8 of the DST protein (p.Tyr8Cys). The tyrosine residue is weakly conserved and there is a large physicochemical difference between tyrosine and cysteine. This variant is present in population databases (rs759842660, ExAC 0.03%). This variant has not been reported in the literature in individuals affected with DST-related conditions. Algorithms developed to predict the effect of missense changes on protein structure and function (SIFT, PolyPhen-2, Align-GVGD) all suggest that this variant is likely to be disruptive. In summary, the available evidence is currently insufficient to determine the role of this variant in disease. Therefore, it has been classified as a Variant of Uncertain Significance.